The following is an entry in ClinVar:

NM_152641.4(ARID2):c.4496T>G (p.Leu1499Arg)

Gene: ARID2 (AT-rich interaction domain 2; plus strand). Cytogenetic location: 12q12.
Variant type: single nucleotide variant.
Coding change: c.4496T>G on transcript NM_152641.4 (MANE Select); coding-DNA position 4496, T replaced by G.
Protein change: p.Leu1499Arg; replaces leucine 1499 with arginine.
Molecular consequence: missense variant.
Genome position (GRCh38, 1-based): chr12:45,852,619, T>G. VCF-style: chr12-45852619-T-G. GRCh37 (hg19) VCF-style: chr12-46246402-T-G.
Other names: c.4496T>G, p.Leu1499Arg (NM_001347839.2); short protein forms L1499R.
Identifiers: ClinVar variation 3031837 (VCV003031837.2), dbSNP rs1324779117, ClinGen allele CA384491852.

ClinVar aggregate classification (germline): Uncertain significance (0 of 4 stars; one submission).

Conditions:
ARID2-related disorder. Also called: ARID2-related condition.

Submission:

PreventionGenetics, part of Exact Sciences
Classification: Uncertain significance for ARID2-related condition. Last evaluated: 2023-11-06. Review status: no assertion criteria provided. Collection method: clinical testing. Allele origin: germline.
Comment: The ARID2 c.4496T>G variant is predicted to result in the amino acid substitution p.Leu1499Arg. To our knowledge, this variant has not been reported in the literature or in a large population database, indicating this variant is rare. At this time, the clinical significance of this variant is uncertain due to the absence of conclusive functional and genetic evidence.